The following is an entry in ClinVar:

NM_002025.4(AFF2):c.340T>C (p.Phe114Leu)

Gene: AFF2 (ALF transcription elongation factor 2; plus strand). Cytogenetic location: Xq28.
Variant type: single nucleotide variant.
Coding change: c.340T>C on transcript NM_002025.4 (MANE Select); coding-DNA position 340, T replaced by C.
Protein change: p.Phe114Leu; replaces phenylalanine 114 with leucine.
Molecular consequence: missense variant.
Genome position (GRCh38, 1-based): chrX:148,662,067, T>C. VCF-style: chrX-148662067-T-C. GRCh37 (hg19) VCF-style: chrX-147743588-T-C.
Other names: c.328T>C, p.Phe110Leu (NM_001169122.2, NM_001169123.2, NM_001169125.2); c.340T>C, p.Phe114Leu (NM_001169124.2); short protein forms F114L, F110L.
Identifiers: ClinVar variation 390056 (VCV000390056.3), dbSNP rs1057523628, ClinGen allele CA16608754.
Genomic context (GRCh38, chrX:148,662,067, plus strand): 5'-CTAGTGGGAATTCCAAAGAATTCTGTGCCCCAGAATCCCAACAACAAAAATGAACCAAGC[T>C]TTTTTCCAGAACAAAAGAACAGAATAATTCCACCTCACCAGGATAATACCCATCCTTCAG-3'
Protein context (NP_002016.2, residues 104-124): QNPNNKNEPS[Phe114Leu]FPEQKNRIIP

ClinVar aggregate classification (germline): Uncertain significance. Review status: criteria provided, multiple submitters, no conflicts (2 of 4 stars). 2 submissions from 2 submitters: Uncertain significance (2). Last evaluated 2025-04-09.

Conditions:
FRAXE. Also called: FRAXE Syndrome; Intellectual developmental disorder, X-linked 109; Fragile XE syndrome; FRAXE intellectual disability; Intellectual disability, X-linked, FRAXE type. Identifiers: Orphanet 100973, MedGen C0751157, MONDO:0010659, OMIM 309548. Disease mechanism: loss of function.

gnomAD v4.1: 1 of 1,210,693 alleles (0.000083%); highest among the groups gnomAD compares: Non-Finnish European, 0.00011%; no homozygotes.

Submissions (2):

Clinical Genomics Laboratory, Washington University in St. Louis
Classification: Uncertain significance for FRAXE. Last evaluated: 2025-04-09. Review status: criteria provided, single submitter. Criteria: ACMG Guidelines, 2015. Collection method: clinical testing. Allele origin: germline.
Comment: The AFF2 c.340T>C (p.Phe114Leu) variant, to our knowledge, has not been reported in the medical literature. This variant has been reported in the ClinVar database as avariant of uncertain significance by one submitter (Variation ID: 390056). This variant is only observed on 1 out of 894,512 alleles in the general population (gnomAD v.4.1), indicating it is not a common variant. Computational predictors are uncertain as to the impact of this variant on AFF2 function. Due to limited information, and based on ACMG/AMP guidelines for variant interpretation (Richards S et al., PMID: 25741868), the clinical significance of this variant is uncertain at this time

GeneDx
Classification: Uncertain significance. Last evaluated: 2019-01-10. Review status: criteria provided, single submitter. Criteria: GeneDx Variant Classification (06012015). Collection method: clinical testing. Allele origin: germline. Affected: yes.
Comment: The F114L variant in the AFF2 gene has not been reported previously as a pathogenic variant, nor as a benign variant, to our knowledge. The F114L variant was not observed in approximately 6500 individuals of European and African American ancestry in the NHLBI Exome Sequencing Project, indicating it is not a common benign variant in these populations. The F114L variant is a conservative amino acid substitution, which is not likely to impact secondary protein structure as these residues share similar properties. However, this substitution occurs at a position that is conserved across species and in silico analysis predicts this variant is probably damaging to the protein structure/function. We interpret F114L as a variant of uncertain significance